The following is an entry in ClinVar:

ClinVar aggregate classification (germline): Likely benign (0 of 4 stars; one submission).

Conditions:
CUBN-related disorder. Also called: CUBN-related condition.

Allele frequency attached by ClinVar (database versions not stated): gnomAD exomes below 0.00001.
gnomAD v4.1: 3 of 1,614,136 alleles (0.00019%); highest among the groups gnomAD compares: Non-Finnish European, 0.00025%; no homozygotes.

Submission:

PreventionGenetics, part of Exact Sciences
Classification: Likely benign for CUBN-related condition. Last evaluated: 2021-08-02. Review status: no assertion criteria provided. Collection method: clinical testing. Allele origin: germline.
Comment: This variant is classified as likely benign based on ACMG/AMP sequence variant interpretation guidelines (Richards et al. 2015 PMID: 25741868, with internal and published modifications).

NM_001081.4(CUBN):c.2262G>A (p.Glu754=)

Gene: CUBN (cubilin; minus strand). Cytogenetic location: 10p13.
Variant type: single nucleotide variant.
Coding change: c.2262G>A on transcript NM_001081.4 (MANE Select); coding-DNA position 2262, G replaced by A.
Protein change: p.Glu754=; no amino-acid change (glutamic acid 754 retained).
Molecular consequence: synonymous variant.
Genome position (GRCh38, 1-based): chr10:17,084,310, C>T on the plus strand (G>A on the coding strand, the complement: CUBN is on the minus strand). VCF-style: chr10-17084310-C-T. GRCh37 (hg19) VCF-style: chr10-17126309-C-T.
Identifiers: ClinVar variation 3032400 (VCV003032400.2), dbSNP rs1273680331, ClinGen allele CA468304828.